The following is an entry in ClinVar:

NM_001844.5(COL2A1):c.2354G>C (p.Arg785Pro)

Gene: COL2A1 (collagen type II alpha 1 chain; minus strand). Cytogenetic location: 12q13.11.
Variant type: single nucleotide variant.
Coding change: c.2354G>C on transcript NM_001844.5 (MANE Select); coding-DNA position 2354, G replaced by C.
Protein change: p.Arg785Pro; replaces arginine 785 with proline.
Molecular consequence: missense variant.
Genome position (GRCh38, 1-based): chr12:47,982,108, C>G on the plus strand (G>C on the coding strand, the complement: COL2A1 is on the minus strand). VCF-style: chr12-47982108-C-G. GRCh37 (hg19) VCF-style: chr12-48375891-C-G.
Other names: c.2147G>C, p.Arg716Pro (NM_033150.3); short protein forms R716P, R785P.
Identifiers: ClinVar variation 4712357 (VCV004712357.1).

ClinVar aggregate classification (germline): Uncertain significance (1 of 4 stars; one submission).

gnomAD v4.1: 2 of 1,613,744 alleles (0.00012%); highest among the groups gnomAD compares: Non-Finnish European, 0.000085%; no homozygotes.

Submission:

Labcorp Genetics (formerly Invitae), Labcorp
Classification: Uncertain significance. Last evaluated: 2025-12-08. Review status: criteria provided, single submitter. Criteria: Invitae Variant Classification Sherloc (09022015). Collection method: clinical testing. Allele origin: germline.
Comment: This sequence change replaces arginine, which is basic and polar, with proline, which is neutral and non-polar, at codon 785 of the COL2A1 protein (p.Arg785Pro). This variant is present in population databases (rs759073173, gnomAD 0.0009%). This variant has not been reported in the literature in individuals affected with COL2A1-related conditions. Experimental studies and prediction algorithms are not available or were not evaluated, and the functional significance of this variant is currently unknown. In summary, the available evidence is currently insufficient to determine the role of this variant in disease. Therefore, it has been classified as a Variant of Uncertain Significance.